The following is an entry in ClinVar:

NM_001093.4(ACACB):c.2144+10TCCT[13]

Gene: ACACB (acetyl-CoA carboxylase beta; plus strand). Cytogenetic location: 12q24.11.
Variant type: Microsatellite.
Coding change: c.2144+10TCCT[13] on transcript NM_001093.4 (MANE Select); 13 copies in a row of the 4-base unit TCCT starting at c.2144+10.
Molecular consequence: intron variant.
Genome position: GRCh38 VCF-style: chr12-109188171-CTCCTTCCT-C. GRCh37 (hg19) VCF-style: chr12-109625976-CTCCTTCCT-C.
Identifiers: ClinVar variation 402333 (VCV000402333.4), dbSNP rs373209583, ClinGen allele CA6773498.

ClinVar aggregate classification (germline): Benign (1 of 4 stars; one submission).

Submission:

Laboratory for Molecular Medicine, Mass General Brigham Personalized Medicine
Classification: Benign. Last evaluated: 2016-03-28. Review status: criteria provided, single submitter. Criteria: LMM Criteria. Collection method: clinical testing. Allele origin: germline.
Comment: Variant identified in a genome or exome case(s) and assessed due to predicted null impact of the variant or pathogenic assertions in the literature or databases. Disclaimer: This variant has not undergone full assessment. The following are preliminary notes: Frequency